The following is an entry in ClinVar:

ClinVar aggregate classification (germline): Uncertain significance (1 of 4 stars; one submission).

Allele frequency attached by ClinVar (database versions not stated): TOPMed below 0.00001; gnomAD 0.00001; ExAC 0.00002; gnomAD exomes 0.00005.
gnomAD v4.1: 47 of 1,613,782 alleles (0.0029%); highest among the groups gnomAD compares: South Asian, 0.051%; no homozygotes.

Submission:

Labcorp Genetics (formerly Invitae), Labcorp
Classification: Uncertain significance. Last evaluated: 2022-07-19. Review status: criteria provided, single submitter. Criteria: Invitae Variant Classification Sherloc (09022015). Collection method: clinical testing. Allele origin: germline.
Comment: This sequence change replaces threonine, which is neutral and polar, with proline, which is neutral and non-polar, at codon 622 of the TTC37 protein (p.Thr622Pro). This variant is present in population databases (rs764108639, gnomAD 0.04%). This variant has not been reported in the literature in individuals affected with TTC37-related conditions. ClinVar contains an entry for this variant (Variation ID: 1486293). Algorithms developed to predict the effect of missense changes on protein structure and function are either unavailable or do not agree on the potential impact of this missense change (SIFT: "Tolerated"; PolyPhen-2: "Possibly Damaging"; Align-GVGD: "Class C0"). In summary, the available evidence is currently insufficient to determine the role of this variant in disease. Therefore, it has been classified as a Variant of Uncertain Significance.

NM_014639.4(SKIC3):c.1864A>C (p.Thr622Pro)

Gene: SKIC3 (SKI3 subunit of superkiller complex; minus strand). Cytogenetic location: 5q15.
Variant type: single nucleotide variant.
Coding change: c.1864A>C on transcript NM_014639.4 (MANE Select); coding-DNA position 1864, A replaced by C.
Protein change: p.Thr622Pro; replaces threonine 622 with proline.
Molecular consequence: missense variant.
Genome position (GRCh38, 1-based): chr5:95,522,201, T>G on the plus strand (A>C on the coding strand, the complement: SKIC3 is on the minus strand). VCF-style: chr5-95522201-T-G. GRCh37 (hg19) VCF-style: chr5-94857905-T-G.
Other names: short protein forms T622P.
Identifiers: ClinVar variation 1486293 (VCV001486293.5), dbSNP rs764108639, ClinGen allele CA3347216.
Genomic context (GRCh38, chr5:95,522,201, plus strand): 5'-GTATTGCTGCAACCTTAAACACACTGTATATGGATTCTGGGTTCAGCTCACTGGCTTTTG[T>G]GAAGGACTTCAAGGCTGTTGTGTAGCCTCCTCTGCTTAAGTATGCTTCTCCTAACGATTC-3'
Protein context (NP_055454.1, residues 612-632): GGYTTALKSF[Thr622Pro]KASELNPESI